The following is an entry in ClinVar:

NM_003327.4(TNFRSF4):c.35C>A (p.Pro12Gln)

Gene: TNFRSF4 (TNF receptor superfamily member 4; minus strand). Cytogenetic location: 1p36.33.
Variant type: single nucleotide variant.
Coding change: c.35C>A on transcript NM_003327.4 (MANE Select); coding-DNA position 35, C replaced by A.
Protein change: p.Pro12Gln; replaces proline 12 with glutamine.
Molecular consequence: missense variant.
Genome position (GRCh38, 1-based): chr1:1,214,093, G>T on the plus strand (C>A on the coding strand, the complement: TNFRSF4 is on the minus strand). VCF-style: chr1-1214093-G-T. GRCh37 (hg19) VCF-style: chr1-1149473-G-T.
Other names: c.35C>A, p.Pro12Gln (NM_001410709.1); short protein forms P12Q.
Identifiers: ClinVar variation 4723113 (VCV004723113.1).

ClinVar aggregate classification (germline): Uncertain significance (1 of 4 stars; one submission).

Conditions:
Combined immunodeficiency due to OX40 deficiency. Also called: OX40 DEFICIENCY; Immunodeficiency 16. Identifiers: Orphanet 431149, MedGen C3810053, MONDO:0014268, OMIM 615593.

Submission:

Labcorp Genetics (formerly Invitae), Labcorp
Classification: Uncertain significance for Combined immunodeficiency due to OX40 deficiency. Last evaluated: 2025-07-13. Review status: criteria provided, single submitter. Criteria: Invitae Variant Classification Sherloc (09022015). Collection method: clinical testing. Allele origin: germline.
Comment: This sequence change replaces proline, which is neutral and non-polar, with glutamine, which is neutral and polar, at codon 12 of the TNFRSF4 protein (p.Pro12Gln). This variant is not present in population databases (gnomAD no frequency). This variant has not been reported in the literature in individuals affected with TNFRSF4-related conditions. Experimental studies and prediction algorithms are not available or were not evaluated, and the functional significance of this variant is currently unknown. In summary, the available evidence is currently insufficient to determine the role of this variant in disease. Therefore, it has been classified as a Variant of Uncertain Significance.